The following is an entry in ClinVar:

ClinVar aggregate classification (germline): Uncertain significance. Review status: criteria provided, multiple submitters, no conflicts (2 of 4 stars). 2 submissions from 2 submitters: Uncertain significance (2). Last evaluated 2026-01-27.

Conditions:
Inborn genetic diseases. Identifiers: MedGen C0950123, MeSH D030342.

Allele frequency attached by ClinVar (database versions not stated): ExAC 0.00001; gnomAD exomes 0.00001; gnomAD 0.00015; 1000 Genomes Project 30x 0.00016; 1000 Genomes Project 0.00020; TOPMed 0.00038.
gnomAD v4.1: 39 of 1,613,718 alleles (0.0024%); highest among the groups gnomAD compares: Admixed American, 0.05%; no homozygotes.

Submissions (2):

Labcorp Genetics (formerly Invitae), Labcorp
Classification: Uncertain significance. Last evaluated: 2026-01-27. Review status: criteria provided, single submitter. Criteria: Invitae Variant Classification Sherloc (09022015). Collection method: clinical testing. Allele origin: germline.
Comment: This sequence change replaces lysine, which is basic and polar, with glutamic acid, which is acidic and polar, at codon 669 of the FNIP1 protein (p.Lys669Glu). This variant is present in population databases (rs200359485, gnomAD 0.009%). This variant has not been reported in the literature in individuals affected with FNIP1-related conditions. ClinVar contains an entry for this variant (Variation ID: 2067623). An algorithm developed to predict the effect of missense changes on protein structure and function (PolyPhen-2) suggests that this variant is likely to be tolerated. In summary, the available evidence is currently insufficient to determine the role of this variant in disease. Therefore, it has been classified as a Variant of Uncertain Significance.

Ambry Genetics
Classification: Uncertain significance for Inborn genetic diseases. Last evaluated: 2023-10-27. Review status: criteria provided, single submitter. Criteria: Ambry Variant Classification Scheme 2023. Collection method: clinical testing. Allele origin: germline.

NM_133372.3(FNIP1):c.2005A>G (p.Lys669Glu)

Gene: FNIP1 (folliculin interacting protein 1; minus strand). Cytogenetic location: 5q31.1.
Variant type: single nucleotide variant.
Coding change: c.2005A>G on transcript NM_133372.3 (MANE Select); coding-DNA position 2005, A replaced by G.
Protein change: p.Lys669Glu; replaces lysine 669 with glutamic acid.
Molecular consequence: missense variant.
Genome position (GRCh38, 1-based): chr5:131,672,439, T>C on the plus strand (A>G on the coding strand, the complement: FNIP1 is on the minus strand). VCF-style: chr5-131672439-T-C. GRCh37 (hg19) VCF-style: chr5-131008132-T-C.
Other names: c.1921A>G, p.Lys641Glu (NM_001008738.3); c.1870A>G, p.Lys624Glu (NM_001346114.2); c.2005A>G (NM_133372.2); short protein forms K641E, K669E, K624E.
Identifiers: ClinVar variation 2067623 (VCV002067623.3), dbSNP rs200359485, ClinGen allele CA3400581.
Genomic context (GRCh38, chr5:131,672,439, plus strand): 5'-CTGGAACAGATCCTGTGCAAACAACTGTCTCTAACTTGGCGTCAAAGCAAGTTCTTAATT[T>C]ATCTCTGTACTGTTTAACATCAACAGCATTTTCTTCTTGGCAGTCAGAAGGAGAAATCAT-3'
Protein context (NP_588613.3, residues 659-679): NAVDVKQYRD[Lys669Glu]LRTCFDAKLE